The following is an entry in ClinVar:

NM_020937.4(FANCM):c.1550C>T (p.Thr517Met)

Gene: FANCM (FA complementation group M; plus strand). Cytogenetic location: 14q21.2.
Variant type: single nucleotide variant.
Coding change: c.1550C>T on transcript NM_020937.4 (MANE Select); coding-DNA position 1550, C replaced by T.
Protein change: p.Thr517Met; replaces threonine 517 with methionine.
Molecular consequence: missense variant.
Genome position (GRCh38, 1-based): chr14:45,159,249, C>T. VCF-style: chr14-45159249-C-T. GRCh37 (hg19) VCF-style: chr14-45628452-C-T.
Other names: c.1472C>T, p.Thr491Met (NM_001308133.2); c.1550C>T, p.Thr517Met (NM_001308134.2); c.1550C>T (NM_020937.3); short protein forms T517M, T491M.
Identifiers: ClinVar variation 840552 (VCV000840552.13), dbSNP rs149473953, ClinGen allele CA7169078.

ClinVar aggregate classification (germline): Uncertain significance. Review status: criteria provided, multiple submitters, no conflicts (2 of 4 stars). 4 submissions from 4 submitters: Uncertain significance (4). Last evaluated 2024-03-06.

Conditions:
Spermatogenic failure 28. Identifiers: MedGen C4748117, MONDO:0054732, OMIM 618086.
Premature ovarian failure 15. Identifiers: MedGen C4748170, MONDO:0054862, OMIM 618096.
Fanconi anemia (FA). Also called: Fanconi's anemia. Identifiers: Orphanet 84, MedGen C0015625, MeSH D005199, MONDO:0019391.

Allele frequency attached by ClinVar (database versions not stated): TOPMed 0.00009; gnomAD 0.00005.
gnomAD v4.1: 94 of 1,613,022 alleles (0.0058%); highest among the groups gnomAD compares: South Asian, 0.011%; no homozygotes.

Submissions (4):

GeneDx
Classification: Uncertain significance. Last evaluated: 2024-03-06. Review status: criteria provided, single submitter. Criteria: GeneDx Variant Classification Process June 2021. Collection method: clinical testing. Allele origin: germline. Affected: yes.
Comment: Observed in an individual with colorectal cancer (PMID: 27713038); In silico analysis supports that this missense variant does not alter protein structure/function; Not observed at significant frequency in large population cohorts (gnomAD); This variant is associated with the following publications: (PMID: 27713038)

Quest Diagnostics Nichols Institute San Juan Capistrano
Classification: Uncertain significance. Last evaluated: 2023-03-09. Review status: criteria provided, single submitter. Criteria: Quest Diagnostics criteria. Collection method: clinical testing. Allele origin: unknown.
Comment: In a large-scale breast cancer association study, the variant was observed in several cases of breast cancer and control individuals (see LOVD and PMID: 33471991 (2021)). The frequency of this variant in the general population, 0.00007 (9/129006 chromosomes), is uninformative in assessment of its pathogenicity. Analysis of this variant using bioinformatics tools for the prediction of the effect of amino acid changes on protein structure and function yielded predictions that this variant is benign. Based on the available information, we are unable to determine the clinical significance of this variant.

Labcorp Genetics (formerly Invitae), Labcorp
Classification: Uncertain significance for Fanconi anemia. Last evaluated: 2022-11-23. Review status: criteria provided, single submitter. Criteria: Invitae Variant Classification Sherloc (09022015). Collection method: clinical testing. Allele origin: germline.
Comment: In summary, the available evidence is currently insufficient to determine the role of this variant in disease. Therefore, it has been classified as a Variant of Uncertain Significance. Algorithms developed to predict the effect of missense changes on protein structure and function output the following: SIFT: "Tolerated"; PolyPhen-2: "Benign"; Align-GVGD: "Class C0". The methionine amino acid residue is found in multiple mammalian species, which suggests that this missense change does not adversely affect protein function. ClinVar contains an entry for this variant (Variation ID: 840552). This variant has not been reported in the literature in individuals affected with FANCM-related conditions. This variant is present in population databases (rs149473953, gnomAD 0.007%). This sequence change replaces threonine, which is neutral and polar, with methionine, which is neutral and non-polar, at codon 517 of the FANCM protein (p.Thr517Met).

Fulgent Genetics
Classification: Uncertain significance for Spermatogenic failure 28; Premature ovarian failure 15. Last evaluated: 2021-10-06. Review status: criteria provided, single submitter. Criteria: ACMG Guidelines, 2015. Collection method: clinical testing. Allele origin: unknown.

Literature cited by the submitters: PubMed 33471991 (cited by Quest Diagnostics Nichols Institute San Juan Capistrano).